The following is an entry in ClinVar:

ClinVar aggregate classification (germline): Uncertain significance (1 of 4 stars; one submission).

Conditions:
Hereditary cancer-predisposing syndrome. Also called: Neoplastic Syndromes, Hereditary; Tumor predisposition; Hereditary Cancer Syndrome; Hereditary neoplastic syndrome. Identifiers: Orphanet 140162, MedGen C0027672, MeSH D009386, MONDO:0015356.

Submission:

Ambry Genetics
Classification: Uncertain significance for Hereditary cancer-predisposing syndrome. Last evaluated: 2026-05-19. Review status: criteria provided, single submitter. Criteria: Ambry Variant Classification Scheme 2023. Collection method: clinical testing. Allele origin: germline.
Comment: The p.E1468A variant (also known as c.4403A>C), located in coding exon 30 of the SMARCA4 gene, results from an A to C substitution at nucleotide position 4403. The glutamic acid at codon 1468 is replaced by alanine, an amino acid with dissimilar properties. This amino acid position is conserved. In addition, this alteration is predicted to be tolerated by in silico analysis. Based on the available evidence, the clinical significance of this variant remains unclear.

NM_003072.5(SMARCA4):c.4307A>C (p.Glu1436Ala)

Gene: SMARCA4 (SWI/SNF related BAF chromatin remodeling complex subunit ATPase 4; plus strand). Cytogenetic location: 19p13.2.
Variant type: single nucleotide variant.
Coding change: c.4307A>C on transcript NM_003072.5 (MANE Select); coding-DNA position 4307, A replaced by C.
Protein change: p.Glu1436Ala; replaces glutamic acid 1436 with alanine.
Molecular consequence: missense variant. On other transcripts: non-coding transcript variant (1).
Genome position (GRCh38, 1-based): chr19:11,041,443, A>C. VCF-style: chr19-11041443-A-C. GRCh37 (hg19) VCF-style: chr19-11152119-A-C.
Other names: c.4307A>C, p.Glu1436Ala (NM_001128844.3); c.4217A>C, p.Glu1406Ala (NM_001128845.2, NM_001128846.2); c.4208A>C, p.Glu1403Ala (NM_001128847.4, NM_001128848.2, NM_001374457.1); c.4403A>C, p.Glu1468Ala (NM_001128849.3, NM_001387283.1); c.4304A>C, p.Glu1435Ala (NM_001411150.1); short protein forms E1403A, E1406A, E1435A, E1436A, E1468A.
Identifiers: ClinVar variation 4864785 (VCV004864785.1).